The following is an entry in ClinVar:

ClinVar aggregate classification (germline): Likely benign (1 of 4 stars; one submission).

Submission:

CeGaT Center for Human Genetics Tuebingen
Classification: Likely benign. Last evaluated: 2025-10-01. Review status: criteria provided, single submitter. Criteria: CeGaT Center For Human Genetics Tuebingen Variant Classification Criteria Version 2. Collection method: clinical testing. Allele origin: germline. Affected: yes. Observed: 1 variant allele.
Comment: MARCHF6: BP4, BP7

NM_005885.4(MARCHF6):c.400C>T (p.Leu134=)

Gene: MARCHF6 (membrane associated ring-CH-type finger 6; plus strand). Cytogenetic location: 5p15.2.
Variant type: single nucleotide variant.
Coding change: c.400C>T on transcript NM_005885.4 (MANE Select); coding-DNA position 400, C replaced by T.
Protein change: p.Leu134=; no amino-acid change (leucine 134 retained).
Molecular consequence: synonymous variant.
Genome position (GRCh38, 1-based): chr5:10,387,059, C>T. VCF-style: chr5-10387059-C-T. GRCh37 (hg19) VCF-style: chr5-10387171-C-T.
Other names: c.256C>T, p.Leu86= (NM_001270660.2); c.85C>T, p.Leu29= (NM_001270661.2).
Identifiers: ClinVar variation 4533583 (VCV004533583.6).